The following is an entry in ClinVar:

NM_001367721.1(CASK):c.1294T>G (p.Leu432Val)

Gene: CASK (calcium/calmodulin dependent serine protein kinase; minus strand). Cytogenetic location: Xp11.4.
Variant type: single nucleotide variant.
Coding change: c.1294T>G on transcript NM_001367721.1 (MANE Select); coding-DNA position 1294, T replaced by G.
Protein change: p.Leu432Val; replaces leucine 432 with valine.
Molecular consequence: missense variant.
Genome position (GRCh38, 1-based): chrX:41,586,927, A>C on the plus strand (T>G on the coding strand, the complement: CASK is on the minus strand). VCF-style: chrX-41586927-A-C. GRCh37 (hg19) VCF-style: chrX-41446180-A-C.
Other names: c.1294T>G, p.Leu432Val (NM_001126054.3, NM_003688.4); c.1276T>G, p.Leu426Val (NM_001126055.3, NM_001410745.1); short protein forms L426V, L432V.
Identifiers: ClinVar variation 2851405 (VCV002851405.3), dbSNP rs2519844581, ClinGen allele CA412999178.

ClinVar aggregate classification (germline): Uncertain significance (1 of 4 stars; one submission).

Conditions:
Intellectual disability, CASK-related, X-linked. Identifiers: MedGen CN043158.

Submission:

Labcorp Genetics (formerly Invitae), Labcorp
Classification: Uncertain significance for Intellectual disability, CASK-related, X-linked. Last evaluated: 2023-04-01. Review status: criteria provided, single submitter. Criteria: Invitae Variant Classification Sherloc (09022015). Collection method: clinical testing. Allele origin: germline.
Comment: In summary, the available evidence is currently insufficient to determine the role of this variant in disease. Therefore, it has been classified as a Variant of Uncertain Significance. Advanced modeling of protein sequence and biophysical properties (such as structural, functional, and spatial information, amino acid conservation, physicochemical variation, residue mobility, and thermodynamic stability) has been performed at Invitae for this missense variant, however the output from this modeling did not meet the statistical confidence thresholds required to predict the impact of this variant on CASK protein function. This variant has not been reported in the literature in individuals affected with CASK-related conditions. This variant is not present in population databases (gnomAD no frequency). This sequence change replaces leucine, which is neutral and non-polar, with valine, which is neutral and non-polar, at codon 432 of the CASK protein (p.Leu432Val).